The following is an entry in ClinVar:

ClinVar aggregate classification (germline): Uncertain significance (1 of 4 stars; one submission).

Conditions:
Hereditary cancer-predisposing syndrome. Also called: Neoplastic Syndromes, Hereditary; Tumor predisposition; Hereditary neoplastic syndrome; Hereditary Cancer Syndrome. Identifiers: Orphanet 140162, MedGen C0027672, MeSH D009386, MONDO:0015356.

Submission:

Ambry Genetics
Classification: Uncertain significance for Hereditary cancer-predisposing syndrome. Last evaluated: 2026-06-26. Review status: criteria provided, single submitter. Criteria: Ambry Variant Classification Scheme 2023. Collection method: clinical testing. Allele origin: germline.
Comment: The p.M939T variant (also known as c.2816T>C), located in coding exon 21 of the MSH3 gene, results from a T to C substitution at nucleotide position 2816. The methionine at codon 939 is replaced by threonine, an amino acid with similar properties. This amino acid position is conserved. In addition, this alteration is predicted to be deleterious by in silico analysis. Based on the available evidence, the clinical significance of this variant remains unclear.

NM_002439.5(MSH3):c.2816T>C (p.Met939Thr)

Gene: MSH3 (mutS homolog 3; plus strand). Cytogenetic location: 5q14.1.
Variant type: single nucleotide variant.
Coding change: c.2816T>C on transcript NM_002439.5 (MANE Select); coding-DNA position 2816, T replaced by C.
Protein change: p.Met939Thr; replaces methionine 939 with threonine.
Molecular consequence: missense variant.
Genome position (GRCh38, 1-based): chr5:80,854,132, T>C. VCF-style: chr5-80854132-T-C. GRCh37 (hg19) VCF-style: chr5-80149951-T-C.
Other names: short protein forms M939T.
Identifiers: ClinVar variation 5024751 (VCV005024751.1).